The following is an entry in ClinVar:

NM_000169.3(GLA):c.678G>T (p.Trp226Cys)

Genes: GLA (galactosidase alpha; minus strand), RPL36A-HNRNPH2 (RPL36A-HNRNPH2 readthrough; plus strand). Cytogenetic location: Xq22.1.
Variant type: single nucleotide variant.
Coding change: c.678G>T on transcript NM_000169.3 (MANE Select); coding-DNA position 678, G replaced by T.
Protein change: p.Trp226Cys; replaces tryptophan 226 with cysteine.
Molecular consequence: missense variant. On other transcripts: non-coding transcript variant (3), intron variant (2).
Genome position (GRCh38, 1-based): chrX:101,398,908, C>A on the plus strand (G>T on the coding strand, the complement: GLA is on the minus strand). VCF-style: chrX-101398908-C-A. GRCh37 (hg19) VCF-style: chrX-100653896-C-A.
Other names: c.801G>T, p.Trp267Cys (NM_001406747.1); c.678G>T, p.Trp226Cys (NM_001406748.1); c.300+3451C>A (NM_001199973.2); c.177+7086C>A (NM_001199974.2); short protein forms W226C, W267C.
Identifiers: ClinVar variation 4087464 (VCV004087464.2).

ClinVar aggregate classification (germline): Likely pathogenic (1 of 4 stars; one submission).

Conditions:
Fabry disease. Also called: ALPHA-GALACTOSIDASE A DEFICIENCY; ANDERSON-FABRY DISEASE; CERAMIDE TRIHEXOSIDASE DEFICIENCY; GLA DEFICIENCY; HEREDITARY DYSTOPIC LIPIDOSIS; Angiokeratoma corporis diffusum. Identifiers: Orphanet 324, MedGen C0002986, MONDO:0010526, OMIM 301500, HP:0001071. Disease mechanism: Fabry disease is due to inactivating mutations in the X-linked GLA gene resulting in deficiency of the enzyme Alpha Galactosidase-A., loss of function.

Submission:

Genomenon, Inc
Classification: Likely pathogenic for Fabry disease. Last evaluated: 2026-09-08. Review status: criteria provided, single submitter. Criteria: Genomenon Sequence Variant Interpretation Standards - Updated. Collection method: curation. Allele origin: germline. Affected: no.
Comment: GLA p.Trp226Cys (c.678G>T) is a missense variant that changes the amino acid at codon 226 from Tryptophan to Cysteine. To our knowledge, this variant has not been reported in patients affected with Fabry disease in the published literature. At least one functional study has demonstrated a substantial alteration in protein function relative to the wild-type (PMID:27657681). This variant is located in a mutational hotspot and/or important functional domain. It is absent or not present at a significant frequency in gnomAD. In silico models predict that this variant is possibly or probably damaging. In conclusion, we classify GLA p.Trp226Cys (c.678G>T) as a likely pathogenic variant.

Literature cited by the submitters: PubMed 27657681.